The following is an entry in ClinVar:

ClinVar aggregate classification (germline): Uncertain significance. Review status: criteria provided, multiple submitters, no conflicts (2 of 4 stars). 2 submissions from 2 submitters: Uncertain significance (2). Last evaluated 2026-01-01.

Conditions:
Charcot-Marie-Tooth disease type 4. Also called: Charcot-Marie-Tooth disease, type IV; Charcot-Marie-Tooth, Type 4. Identifiers: Orphanet 64749, MedGen C4082197, MONDO:0018995.

Allele frequency attached by ClinVar (database versions not stated): gnomAD exomes below 0.00001; ExAC 0.00001.
gnomAD v4.1: 8 of 1,614,162 alleles (0.0005%); highest among the groups gnomAD compares: Non-Finnish European, 0.00051%; no homozygotes.

Submissions (2):

CeGaT Center for Human Genetics Tuebingen
Classification: Uncertain significance. Last evaluated: 2026-01-01. Review status: criteria provided, single submitter. Criteria: CeGaT Center For Human Genetics Tuebingen Variant Classification Criteria Version 2. Collection method: clinical testing. Allele origin: germline. Affected: yes. Observed: 1 variant allele.
Comment: SBF2: PM2

Labcorp Genetics (formerly Invitae), Labcorp
Classification: Uncertain significance for Charcot-Marie-Tooth disease type 4. Last evaluated: 2022-07-19. Review status: criteria provided, single submitter. Criteria: Invitae Variant Classification Sherloc (09022015). Collection method: clinical testing. Allele origin: germline.
Comment: In summary, the available evidence is currently insufficient to determine the role of this variant in disease. Therefore, it has been classified as a Variant of Uncertain Significance. Algorithms developed to predict the effect of missense changes on protein structure and function are either unavailable or do not agree on the potential impact of this missense change (SIFT: "Tolerated"; PolyPhen-2: "Possibly Damaging"; Align-GVGD: "Class C0"). ClinVar contains an entry for this variant (Variation ID: 1009328). This variant has not been reported in the literature in individuals affected with SBF2-related conditions. This variant is present in population databases (rs758932167, gnomAD 0.0009%). This sequence change replaces alanine, which is neutral and non-polar, with glycine, which is neutral and non-polar, at codon 1638 of the SBF2 protein (p.Ala1638Gly).

NM_030962.4(SBF2):c.4913C>G (p.Ala1638Gly)

Genes: SBF2 (SET binding factor 2; minus strand), SBF2-AS1 (SBF2 antisense RNA 1; plus strand), LOC105369149 (uncharacterized LOC105369149; plus strand). Cytogenetic location: 11p15.4.
Variant type: single nucleotide variant.
Coding change: c.4913C>G on transcript NM_030962.4 (MANE Select); coding-DNA position 4913, C replaced by G.
Protein change: p.Ala1638Gly; replaces alanine 1638 with glycine.
Molecular consequence: missense variant.
Genome position (GRCh38, 1-based): chr11:9,789,128, G>C on the plus strand (C>G on the coding strand, the complement: SBF2 is on the minus strand). VCF-style: chr11-9789128-G-C. GRCh37 (hg19) VCF-style: chr11-9810675-G-C.
Other names: c.5009C>G, p.Ala1670Gly (NM_001386339.1); c.4784C>G, p.Ala1595Gly (NM_001386342.1); short protein forms A1638G, A1595G, A1670G.
Identifiers: ClinVar variation 1009328 (VCV001009328.13), dbSNP rs758932167, ClinGen allele CA5880873.